The following is an entry in ClinVar:

ClinVar aggregate classification (germline): Uncertain significance (1 of 4 stars; one submission).

Conditions:
Inborn genetic diseases. Identifiers: MedGen C0950123, MeSH D030342.

Submission:

Ambry Genetics
Classification: Uncertain significance for Inborn genetic diseases. Last evaluated: 2024-11-14. Review status: criteria provided, single submitter. Criteria: Ambry Variant Classification Scheme 2023. Collection method: clinical testing. Allele origin: germline.
Comment: The p.D52H variant (also known as c.154G>C), located in coding exon 2 of the EPAS1 gene, results from a G to C substitution at nucleotide position 154. The aspartic acid at codon 52 is replaced by histidine, an amino acid with similar properties. This amino acid position is conserved. In addition, this alteration is predicted to be deleterious by in silico analysis. Based on the available evidence, the clinical significance of this variant remains unclear.

NM_001430.5(EPAS1):c.154G>C (p.Asp52His)

Gene: EPAS1 (endothelial PAS domain protein 1; plus strand). Cytogenetic location: 2p21.
Variant type: single nucleotide variant.
Coding change: c.154G>C on transcript NM_001430.5 (MANE Select); coding-DNA position 154, G replaced by C.
Protein change: p.Asp52His; replaces aspartic acid 52 with histidine.
Molecular consequence: missense variant.
Genome position (GRCh38, 1-based): chr2:46,347,000, G>C. VCF-style: chr2-46347000-G-C. GRCh37 (hg19) VCF-style: chr2-46574139-G-C.
Other names: short protein forms D52H.
Identifiers: ClinVar variation 3508927 (VCV003508927.1).